The following is an entry in ClinVar:

ClinVar aggregate classification (germline): Likely benign (1 of 4 stars; one submission).

gnomAD v4.1: 1,038 of 1,614,196 alleles (0.064%); highest among the groups gnomAD compares: Non-Finnish European, 0.078%; 1 homozygote.

Submission:

CeGaT Center for Human Genetics Tuebingen
Classification: Likely benign. Last evaluated: 2026-05-01. Review status: criteria provided, single submitter. Criteria: CeGaT Center For Human Genetics Tuebingen Variant Classification Criteria Version 2. Collection method: clinical testing. Allele origin: germline. Affected: yes. Observed: 1 variant allele.
Comment: CAMK4: BP4, BS1

NM_001744.6(CAMK4):c.1110A>C (p.Lys370Asn)

Gene: CAMK4 (calcium/calmodulin dependent protein kinase IV; plus strand). Cytogenetic location: 5q22.1.
Variant type: single nucleotide variant.
Coding change: c.1110A>C on transcript NM_001744.6 (MANE Select); coding-DNA position 1110, A replaced by C.
Protein change: p.Lys370Asn; replaces lysine 370 with asparagine.
Molecular consequence: missense variant.
Genome position (GRCh38, 1-based): chr5:111,484,154, A>C. VCF-style: chr5-111484154-A-C. GRCh37 (hg19) VCF-style: chr5-110819852-A-C.
Other names: c.1110A>C, p.Lys370Asn (NM_001323374.2, NM_001323375.2); c.519A>C, p.Lys173Asn (NM_001323376.2, NM_001323377.2); short protein forms K173N, K370N.
Identifiers: ClinVar variation 4872264 (VCV004872264.2).
Genomic context (GRCh38, chr5:111,484,154, plus strand): 5'-GGAGAGCCACAAGGCTAGCCGAGACCCTTCTCCAATCCAAGATGGCAACGAGGACATGAA[A>C]GCTATTCCAGAAGGAGAGAAAATTCAAGGCGATGGGGCCCAAGCCGCAGTTAAGGGGGCA-3'
Protein context (NP_001735.1, residues 360-380): SPIQDGNEDM[Lys370Asn]AIPEGEKIQG